The following is an entry in ClinVar:

ClinVar aggregate classification (germline): Uncertain significance (1 of 4 stars; one submission).

Submission:

Labcorp Genetics (formerly Invitae), Labcorp
Classification: Uncertain significance. Last evaluated: 2023-07-21. Review status: criteria provided, single submitter. Criteria: Invitae Variant Classification Sherloc (09022015). Collection method: clinical testing. Allele origin: germline.
Comment: In summary, the available evidence is currently insufficient to determine the role of this variant in disease. Therefore, it has been classified as a Variant of Uncertain Significance. Advanced modeling of protein sequence and biophysical properties (such as structural, functional, and spatial information, amino acid conservation, physicochemical variation, residue mobility, and thermodynamic stability) performed at Invitae indicates that this missense variant is not expected to disrupt TAF2 protein function. ClinVar contains an entry for this variant (Variation ID: 1715299). This variant has not been reported in the literature in individuals affected with TAF2-related conditions. This variant is not present in population databases (gnomAD no frequency). This sequence change replaces glutamine, which is neutral and polar, with arginine, which is basic and polar, at codon 272 of the TAF2 protein (p.Gln272Arg).

NM_003184.4(TAF2):c.815A>G (p.Gln272Arg)

Gene: TAF2 (TATA-box binding protein associated factor 2; minus strand). Cytogenetic location: 8q24.12.
Variant type: single nucleotide variant.
Coding change: c.815A>G on transcript NM_003184.4 (MANE Select); coding-DNA position 815, A replaced by G.
Protein change: p.Gln272Arg; replaces glutamine 272 with arginine.
Molecular consequence: missense variant.
Genome position (GRCh38, 1-based): chr8:119,797,824, T>C on the plus strand (A>G on the coding strand, the complement: TAF2 is on the minus strand). VCF-style: chr8-119797824-T-C. GRCh37 (hg19) VCF-style: chr8-120810064-T-C.
Other names: short protein forms Q272R.
Identifiers: ClinVar variation 1715299 (VCV001715299.5), dbSNP rs2488430951, ClinGen allele CA371890895.